The following is an entry in ClinVar:

ClinVar aggregate classification (germline): Pathogenic/Likely pathogenic. Review status: criteria provided, multiple submitters, no conflicts (2 of 4 stars). 3 submissions from 3 submitters: Pathogenic (2); Likely pathogenic (1). Last evaluated 2025-11-26.

Conditions:
CYP27B1-related disorder. Also called: CYP27B1-related condition.
Vitamin D-dependent rickets, type 1 (VDD1). Also called: VITAMIN D DEPENDENCY, TYPE 1. Identifiers: Orphanet 289157, MedGen C0268689, MONDO:0009924.

Allele frequency attached by ClinVar (database versions not stated): 1000 Genomes Project 30x 0.00016; 1000 Genomes Project 0.00020; TOPMed 0.00001; gnomAD exomes 0.00003 and 0.00005; ExAC 0.00005; gnomAD 0.00006.

Submissions (3):

Labcorp Genetics (formerly Invitae), Labcorp
Classification: Pathogenic. Last evaluated: 2025-11-26. Review status: criteria provided, single submitter. Criteria: Invitae Variant Classification Sherloc (09022015). Collection method: clinical testing. Allele origin: germline.
Comment: This sequence change replaces arginine, which is basic and polar, with cysteine, which is neutral and slightly polar, at codon 459 of the CYP27B1 protein (p.Arg459Cys). This variant is present in population databases (rs555068245, gnomAD 0.03%). This missense change has been observed in individual(s) with vitamin D-dependent rickets and/or 1a-hydroxylase deficiency (PMID: 22588163, 24197768). In at least one individual the data is consistent with being in trans (on the opposite chromosome) from a pathogenic variant. ClinVar contains an entry for this variant (Variation ID: 522958). Invitae Evidence Modeling of protein sequence and biophysical properties (such as structural, functional, and spatial information, amino acid conservation, physicochemical variation, residue mobility, and thermodynamic stability) indicates that this missense variant is expected to disrupt CYP27B1 protein function with a positive predictive value of 80%. Experimental studies have shown that this missense change affects CYP27B1 function (PMID: 22588163). This variant disrupts the p.Arg459 amino acid residue in CYP27B1. Other variant(s) that disrupt this residue have been determined to be pathogenic (internal data). This suggests that this residue is clinically significant, and that variants that disrupt this residue are likely to be disease-causing. For these reasons, this variant has been classified as Pathogenic.

Blueprint Genetics
Classification: Pathogenic for CYP27B1-related disorders. Last evaluated: 2024-02-08. Review status: criteria provided, single submitter. Criteria: ACMG Guidelines, 2015. Collection method: clinical testing. Allele origin: germline. Affected: yes. Observed: 5 variant alleles.

Genomic Research Center, Shahid Beheshti University of Medical Sciences
Classification: Likely pathogenic for Vitamin D-dependent rickets, type 1. Last evaluated: 2020-05-03. Review status: criteria provided, single submitter. Criteria: ACMG Guidelines, 2015. Collection method: clinical testing. Allele origin: unknown. Affected: yes.

Literature cited by the submitters: PubMed 22588163 (cited by Labcorp Genetics (formerly Invitae), Labcorp); PubMed 24197768 (cited by Labcorp Genetics (formerly Invitae), Labcorp).

NM_000785.4(CYP27B1):c.1375C>T (p.Arg459Cys)

Gene: CYP27B1 (cytochrome P450 family 27 subfamily B member 1; minus strand). Cytogenetic location: 12q14.1.
Variant type: single nucleotide variant.
Coding change: c.1375C>T on transcript NM_000785.4 (MANE Select); coding-DNA position 1375, C replaced by T.
Protein change: p.Arg459Cys; replaces arginine 459 with cysteine.
Molecular consequence: missense variant.
Genome position (GRCh38, 1-based): chr12:57,763,649, G>A on the plus strand (C>T on the coding strand, the complement: CYP27B1 is on the minus strand). VCF-style: chr12-57763649-G-A. GRCh37 (hg19) VCF-style: chr12-58157432-G-A.
Other names: short protein forms R459C.
Identifiers: ClinVar variation 522958 (VCV000522958.12), dbSNP rs555068245, ClinGen allele CA6658143.